The following is an entry in ClinVar:

ClinVar aggregate classification (germline): Uncertain significance. Review status: criteria provided, multiple submitters, no conflicts (2 of 4 stars). 2 submissions from 2 submitters: Uncertain significance (2). Last evaluated 2023-10-13.

Conditions:
Farber lipogranulomatosis (FRBRL). Also called: Farber's lipogranulomatosis; Farber's disease; AC DEFICIENCY; ACID CERAMIDASE DEFICIENCY; CERAMIDASE DEFICIENCY; N-LAURYLSPHINGOSINE DEACYLASE DEFICIENCY. Identifiers: Orphanet 333, MedGen C0268255, MONDO:0009218, OMIM 228000.
Spinal muscular atrophy-progressive myoclonic epilepsy syndrome. Also called: Hereditary myoclonus and progressive distal muscular atrophy; Spinal muscular atrophy with progressive myoclonic epilepsy; MYOCLONUS, HEREDITARY, WITH PROGRESSIVE DISTAL MUSCULAR ATROPHY; Spinal Muscular Atrophy with Progressive Myoclonic Epilepsy (SMA-PME). Identifiers: Orphanet 2590, MedGen C1834569, MONDO:0008045, OMIM 159950.

Allele frequency attached by ClinVar (database versions not stated): gnomAD exomes below 0.00001 and 0.00001; gnomAD 0.00001; ExAC 0.00002.
gnomAD v4.1: 5 of 1,601,626 alleles (0.00031%); highest among the groups gnomAD compares: East Asian, 0.0045%; no homozygotes.

Submissions (2):

Labcorp Genetics (formerly Invitae), Labcorp
Classification: Uncertain significance. Last evaluated: 2023-10-13. Review status: criteria provided, single submitter. Criteria: Invitae Variant Classification Sherloc (09022015). Collection method: clinical testing. Allele origin: germline.
Comment: This sequence change replaces aspartic acid, which is acidic and polar, with glycine, which is neutral and non-polar, at codon 390 of the ASAH1 protein (p.Asp390Gly). This variant is present in population databases (rs373012279, gnomAD 0.01%). This variant has not been reported in the literature in individuals affected with ASAH1-related conditions. ClinVar contains an entry for this variant (Variation ID: 1431525). An algorithm developed to predict the effect of missense changes on protein structure and function (PolyPhen-2) suggests that this variant¬†is likely to be tolerated. In summary, the available evidence is currently insufficient to determine the role of this variant in disease. Therefore, it has been classified as a Variant of Uncertain Significance.

Fulgent Genetics
Classification: Uncertain significance for Spinal muscular atrophy-progressive myoclonic epilepsy syndrome; Farber lipogranulomatosis. Last evaluated: 2021-07-18. Review status: criteria provided, single submitter. Criteria: ACMG Guidelines, 2015. Collection method: clinical testing. Allele origin: unknown.

NM_177924.5(ASAH1):c.1169A>G (p.Asp390Gly)

Gene: ASAH1 (N-acylsphingosine amidohydrolase 1; minus strand). Cytogenetic location: 8p22.
Variant type: single nucleotide variant.
Coding change: c.1169A>G on transcript NM_177924.5 (MANE Select); coding-DNA position 1169, A replaced by G.
Protein change: p.Asp390Gly; replaces aspartic acid 390 with glycine.
Molecular consequence: missense variant.
Genome position (GRCh38, 1-based): chr8:18,057,553, T>C on the plus strand (A>G on the coding strand, the complement: ASAH1 is on the minus strand). VCF-style: chr8-18057553-T-C. GRCh37 (hg19) VCF-style: chr8-17915062-T-C.
Other names: c.1151A>G, p.Asp384Gly (NM_001127505.3); c.974A>G, p.Asp325Gly (NM_001363743.2); c.1217A>G, p.Asp406Gly (NM_004315.6); short protein forms D325G, D384G, D390G, D406G.
Identifiers: ClinVar variation 1431525 (VCV001431525.5), dbSNP rs373012279, ClinGen allele CA4650492.